The following is an entry in ClinVar:

ClinVar aggregate classification (germline): Pathogenic (1 of 4 stars; one submission).

Submission:

Labcorp Genetics (formerly Invitae), Labcorp
Classification: Pathogenic. Last evaluated: 2021-08-03. Review status: criteria provided, single submitter. Criteria: Invitae Variant Classification Sherloc (09022015). Collection method: clinical testing. Allele origin: germline.
Comment: This sequence change creates a premature translational stop signal (p.Gly454*) in the GLE1 gene. It is expected to result in an absent or disrupted protein product. Loss-of-function variants in GLE1 are known to be pathogenic (PMID: 18204449, 24243016, 27684565). For these reasons, this variant has been classified as Pathogenic. This variant has not been reported in the literature in individuals affected with GLE1-related conditions. The frequency data for this variant in the population databases is not available, as this variant may be reported as separate entries in the ExAC database.

Literature cited by the submitters: PubMed 18204449; PubMed 24243016; PubMed 27684565.

NM_001003722.2(GLE1):c.1360_1361delinsTA (p.Gly454Ter)

Genes: GLE1 (GLE1 RNA export mediator; plus strand), LOC101929270 (uncharacterized LOC101929270; minus strand). Cytogenetic location: 9q34.11.
Variant type: Indel.
Coding change: c.1360_1361delinsTA on transcript NM_001003722.2 (MANE Select); coding-DNA positions 1360 to 1361, GG replaced by TA.
Protein change: p.Gly454Ter; replaces glycine 454 with a stop codon.
Molecular consequence: nonsense.
Genome position (GRCh38, 1-based): chr9:128,533,560-128,533,561, GG replaced by TA. VCF-style: chr9-128533560-GG-TA. GRCh37 (hg19) VCF-style: chr9-131295839-GG-TA.
Other names: c.1360_1361delinsTA, p.Gly454Ter (NM_001499.2); short protein forms G454*.
Identifiers: ClinVar variation 1378605 (VCV001378605.6), dbSNP rs2132508086, ClinGen allele CA2573144027.